The following is an entry in ClinVar:

ClinVar aggregate classification (germline): Uncertain significance (1 of 4 stars; one submission).

Conditions:
Wilson disease (WND). Also called: Wilson's disease. Identifiers: Orphanet 905, MedGen C0019202, MONDO:0010200, OMIM 277900. Disease mechanism: loss of function.

Submission:

All of Us Research Program, National Institutes of Health
Classification: Uncertain significance for Wilson disease. Last evaluated: 2024-07-20. Review status: criteria provided, single submitter. Criteria: ACMG Guidelines, 2015. Collection method: clinical testing. Allele origin: germline. Inheritance: Autosomal recessive inheritance. Observed: 3 variant alleles, 3 heterozygotes.
Comment: This missense variant replaces proline with arginine at codon 435 of the ATP7B protein. Computational prediction suggests that this variant may not impact protein structure and function (internally defined REVEL score threshold <= 0.5, PMID: 27666373). To our knowledge, functional studies have not been reported for this variant. This variant has not been reported in individuals affected with ATP7B-related disorders in the literature. This variant has not been identified in the general population by the Genome Aggregation Database (gnomAD). The available evidence is insufficient to determine the role of this variant in disease conclusively. Therefore, this variant is classified as a Variant of Uncertain Significance.

This study involves interpretation of variants in research participants for the purpose of population health screening. Participant phenotype was not available at the time of variant classification. Additional details can be found in publication PMID: 35346344, PMCID: PMC8962531

NM_000053.4(ATP7B):c.1304C>G (p.Pro435Arg)

Gene: ATP7B (ATPase copper transporting beta; minus strand). Cytogenetic location: 13q14.3.
Variant type: single nucleotide variant.
Coding change: c.1304C>G on transcript NM_000053.4 (MANE Select); coding-DNA position 1304, C replaced by G.
Protein change: p.Pro435Arg; replaces proline 435 with arginine.
Molecular consequence: missense variant. On other transcripts: intron variant (1).
Genome position (GRCh38, 1-based): chr13:51,970,731, G>C on the plus strand (C>G on the coding strand, the complement: ATP7B is on the minus strand). VCF-style: chr13-51970731-G-C. GRCh37 (hg19) VCF-style: chr13-52544867-G-C.
Other names: c.1304C>G, p.Pro435Arg (NM_001005918.3, NM_001330578.2, NM_001330579.2 and 28 more transcripts); c.971C>G, p.Pro324Arg (NM_001243182.2); c.1208C>G, p.Pro403Arg (NM_001406530.1, NM_001406543.1, NM_001406544.1 and 3 more transcripts); c.1285+3204C>G (NM_001406548.1); c.875C>G, p.Pro292Arg (NM_001406539.1); short protein forms P292R, P324R, P403R, P435R.
Identifiers: ClinVar variation 3069912 (VCV003069912.2), dbSNP rs1566582352, ClinGen allele CA388036122.
Genomic context (GRCh38, chr13:51,970,731, plus strand): 5'-GATGTAGGTGTACCATCTGTAGTTTGCACCATGGAATTCCCAGCACTGTGGTTTCCAAGA[G>C]GGTTAGTAGAACAGCTTTCTAGGATAAAATGTCAGAAAATATTCAAATTAGAAGAGCAAA-3'
Protein context (NP_000044.2, residues 425-445): SVVSESCSTN[Pro435Arg]LGNHSAGNSM